The following is an entry in ClinVar:

NM_031372.4(HNRNPDL):c.338dup (p.Ala114fs)

Gene: HNRNPDL (heterogeneous nuclear ribonucleoprotein D like; minus strand). Cytogenetic location: 4q21.22.
Variant type: Duplication.
Coding change: c.338dup on transcript NM_031372.4 (MANE Select); coding-DNA position 338, one base duplicated (C; older notation c.338dupC).
Protein change: p.Ala114fs; shifts the reading frame from alanine 114.
Molecular consequence: frameshift variant. On other transcripts: non-coding transcript variant (1).
Genome position (GRCh38, 1-based): chr4:82,429,353, G duplicated on the plus strand (C on the coding strand, the reverse complement: HNRNPDL is on the minus strand); the first of 6 consecutive G bases (chr4:82,429,353-82,429,358); duplicating any one gives the same sequence. VCF-style (leftmost placement, unchanged base first): chr4-82429352-A-AG. GRCh37 (hg19) VCF-style: chr4-83350505-A-AG.
Other names: c.338dup, p.Ala114fs (NM_001207000.1); short protein forms A114fs.
Identifiers: ClinVar variation 1475223 (VCV001475223.4), dbSNP rs763550244, ClinGen allele CA2985036.
Genomic context (GRCh38, chr4:82,429,352, plus strand): 5'-TGCGAATTCCTCTATATTGCTGTACTCGTTCATATCCTCCATAGTGACGGAGCTGTCGGC[A>AG]GGGGGGTGCTGGCGCGCAGTCCGGGTCGCGGCAGCAGCGGCGGCGGAGCGTTGTATGGAG-3'

ClinVar aggregate classification (germline): Uncertain significance (1 of 4 stars; one submission).

Conditions:
Autosomal dominant limb-girdle muscular dystrophy type 1G (LGMDD3). Also called: MUSCULAR DYSTROPHY, LIMB-GIRDLE, AUTOSOMAL DOMINANT 3; Limb-girdle muscular dystrophy, type 1G. Identifiers: Orphanet 55596, MedGen C1836765, MONDO:0012193, OMIM 609115.

Submission:

Labcorp Genetics (formerly Invitae), Labcorp
Classification: Uncertain significance for Autosomal dominant limb-girdle muscular dystrophy type 1G. Last evaluated: 2021-04-21. Review status: criteria provided, single submitter. Criteria: Invitae Variant Classification Sherloc (09022015). Collection method: clinical testing. Allele origin: germline.
Comment: This variant has not been reported in the literature in individuals with HNRNPDL-related conditions. In summary, the available evidence is currently insufficient to determine the role of this variant in disease. Therefore, it has been classified as a Variant of Uncertain Significance. This variant is present in population databases (rs763550244, ExAC 0.003%). This sequence change creates a premature translational stop signal (p.Ala114Cysfs*34) in the HNRNPDL gene. It is expected to result in an absent or disrupted protein product. However, the current clinical and genetic evidence is not sufficient to establish whether loss-of-function variants in HNRNPDL cause disease.